The following is an entry in ClinVar:

NM_015338.6(ASXL1):c.1496G>A (p.Arg499His)

Gene: ASXL1 (ASXL transcriptional regulator 1; plus strand). Cytogenetic location: 20q11.21.
Variant type: single nucleotide variant.
Coding change: c.1496G>A on transcript NM_015338.6 (MANE Select); coding-DNA position 1496, G replaced by A.
Protein change: p.Arg499His; replaces arginine 499 with histidine.
Molecular consequence: missense variant.
Genome position (GRCh38, 1-based): chr20:32,433,694, G>A. VCF-style: chr20-32433694-G-A. GRCh37 (hg19) VCF-style: chr20-31021497-G-A.
Other names: c.1313G>A, p.Arg438His (NM_001363734.1); short protein forms R499H, R438H.
Identifiers: ClinVar variation 2155816 (VCV002155816.4), dbSNP rs549287573, ClinGen allele CA9808364.

ClinVar aggregate classification (germline): Uncertain significance (1 of 4 stars; one submission).

Allele frequency attached by ClinVar (database versions not stated): gnomAD 0.00001; gnomAD exomes 0.00001; ExAC 0.00002; 1000 Genomes Project 30x 0.00016; 1000 Genomes Project 0.00020.
gnomAD v4.1: 20 of 1,611,548 alleles (0.0012%); highest among the groups gnomAD compares: South Asian, 0.0033%; no homozygotes.

Submission:

Labcorp Genetics (formerly Invitae), Labcorp
Classification: Uncertain significance. Last evaluated: 2023-08-17. Review status: criteria provided, single submitter. Criteria: Invitae Variant Classification Sherloc (09022015). Collection method: clinical testing. Allele origin: germline.
Comment: This sequence change replaces arginine, which is basic and polar, with histidine, which is basic and polar, at codon 499 of the ASXL1 protein (p.Arg499His). This variant is present in population databases (rs549287573, gnomAD 0.007%). In summary, the available evidence is currently insufficient to determine the role of this variant in disease. Therefore, it has been classified as a Variant of Uncertain Significance. Algorithms developed to predict the effect of missense changes on protein structure and function output the following: SIFT: "Not Available"; PolyPhen-2: "Benign"; Align-GVGD: "Not Available". The histidine amino acid residue is found in multiple mammalian species, which suggests that this missense change does not adversely affect protein function. ClinVar contains an entry for this variant (Variation ID: 2155816). This variant has not been reported in the literature in individuals affected with ASXL1-related conditions.